The following is an entry in ClinVar:

ClinVar aggregate classification (germline): Benign. Review status: criteria provided, multiple submitters, no conflicts (2 of 4 stars). 2 submissions from 2 submitters: Benign (2). Last evaluated 2018-06-18.

Allele frequency attached by ClinVar (database versions not stated): gnomAD exomes 0.22347; TOPMed 0.24475; gnomAD 0.24644 and 0.24854; 1000 Genomes Project 30x 0.30746; 1000 Genomes Project 0.30950.
gnomAD v4.1: 340,880 of 1,510,184 alleles (23%); highest among the groups gnomAD compares: East Asian, 49%; 41,184 homozygotes.

Submissions (2):

GeneDx
Classification: Benign. Last evaluated: 2018-06-18. Review status: criteria provided, single submitter. Criteria: GeneDx Variant Classification (06012015). Collection method: clinical testing. Allele origin: germline. Affected: yes.
Comment: This variant is considered likely benign or benign based on one or more of the following criteria: it is a conservative change, it occurs at a poorly conserved position in the protein, it is predicted to be benign by multiple in silico algorithms, and/or has population frequency not consistent with disease.

Breakthrough Genomics
Classification: Benign. Review status: criteria provided, single submitter. Criteria: ACMG Guidelines, 2015. Collection method: not provided. Allele origin: germline. Inheritance: Autosomal recessive inheritance. Affected: yes.

NM_000089.4(COL1A2):c.1035+54A>G

Gene: COL1A2 (collagen type I alpha 2 chain; plus strand). Cytogenetic location: 7q21.3.
Variant type: single nucleotide variant.
Coding change: c.1035+54A>G on transcript NM_000089.4 (MANE Select); 54 bases into the intron after coding-DNA position 1035, A replaced by G.
Molecular consequence: intron variant.
Genome position (GRCh38, 1-based): chr7:94,409,875, A>G. VCF-style: chr7-94409875-A-G. GRCh37 (hg19) VCF-style: chr7-94039187-A-G.
Identifiers: ClinVar variation 675065 (VCV000675065.2), dbSNP rs2521206, ClinGen allele CA15496497.